The following is an entry in ClinVar:

ClinVar aggregate classification (germline): Likely benign (1 of 4 stars; one submission).

gnomAD v4.1: 156 of 1,612,976 alleles (0.0097%); highest among the groups gnomAD compares: Middle Eastern, 0.12%; 1 homozygote.

Submission:

CeGaT Center for Human Genetics Tuebingen
Classification: Likely benign. Last evaluated: 2025-12-01. Review status: criteria provided, single submitter. Criteria: CeGaT Center For Human Genetics Tuebingen Variant Classification Criteria Version 2. Collection method: clinical testing. Allele origin: germline. Affected: yes. Observed: 1 variant allele.
Comment: MRPL39: BP4, BP7

NM_017446.4(MRPL39):c.945G>A (p.Lys315=)

Gene: MRPL39 (mitochondrial ribosomal protein L39; minus strand). Cytogenetic location: 21q21.3.
Variant type: single nucleotide variant.
Coding change: c.945G>A on transcript NM_017446.4 (MANE Select); coding-DNA position 945, G replaced by A.
Protein change: p.Lys315=; no amino-acid change (lysine 315 retained).
Molecular consequence: synonymous variant.
Genome position (GRCh38, 1-based): chr21:25,588,859, C>T on the plus strand (G>A on the coding strand, the complement: MRPL39 is on the minus strand). VCF-style: chr21-25588859-C-T. GRCh37 (hg19) VCF-style: chr21-26961171-C-T.
Other names: c.945G>A, p.Lys315= (NM_080794.4).
Identifiers: ClinVar variation 4820706 (VCV004820706.4).